The following is an entry in ClinVar:

NM_001267550.2(TTN):c.48915T>A (p.Ile16305=)

Genes: TTN-AS1 (TTN antisense RNA 1; plus strand), TTN (titin; minus strand), LOC126806426 (BRD4-independent group 4 enhancer GRCh37_chr2:179478848-179480047; plus strand). Cytogenetic location: 2q31.2.
Variant type: single nucleotide variant.
Coding change: c.48915T>A on transcript NM_001267550.2 (MANE Select); coding-DNA position 48915, T replaced by A.
Protein change: p.Ile16305=; no amino-acid change (isoleucine 16305 retained).
Molecular consequence: synonymous variant. On other transcripts: non-coding transcript variant (1).
Genome position (GRCh38, 1-based): chr2:178,614,599, A>T on the plus strand (T>A on the coding strand, the complement: TTN is on the minus strand). VCF-style: chr2-178614599-A-T. GRCh37 (hg19) VCF-style: chr2-179479326-A-T.
Other names: p.Ile13737=; c.43992T>A, p.Ile14664= (NM_001256850.1); c.21720T>A, p.Ile7240= (NM_003319.4); c.41211T>A, p.Ile13737= (NM_133378.4); c.22095T>A, p.Ile7365= (NM_133432.3); c.22296T>A, p.Ile7432= (NM_133437.4).
Identifiers: ClinVar variation 387611 (VCV000387611.13), dbSNP rs752761527, ClinGen allele CA1994725.

ClinVar aggregate classification (germline): Likely benign. Review status: criteria provided, multiple submitters, no conflicts (2 of 4 stars). 5 submissions from 5 submitters: Likely benign (5). Last evaluated 2025-12-15.

Conditions:
Dilated cardiomyopathy 1G (CMD1G). Identifiers: Orphanet 154, MedGen C1858763, MONDO:0011400, OMIM 604145.
Autosomal recessive limb-girdle muscular dystrophy type 2J (LGMDR10). Also called: MUSCULAR DYSTROPHY, LIMB-GIRDLE, AUTOSOMAL RECESSIVE 10; Limb-girdle muscular dystrophy, type 2J. Identifiers: Orphanet 140922, MedGen C1837342, MONDO:0012127, OMIM 608807.
Cardiovascular phenotype. Identifiers: MedGen CN230736.

Allele frequency attached by ClinVar (database versions not stated): ExAC 0.00001; gnomAD exomes 0.00001; TOPMed 0.00002; gnomAD 0.00003.
gnomAD v4.1: 20 of 1,612,236 alleles (0.0012%); highest among the groups gnomAD compares: Non-Finnish European, 0.0015%; no homozygotes.

Submissions (5):

Labcorp Genetics (formerly Invitae), Labcorp
Classification: Likely benign for Dilated cardiomyopathy 1G; Autosomal recessive limb-girdle muscular dystrophy type 2J. Last evaluated: 2025-12-15. Review status: criteria provided, single submitter. Criteria: Invitae Variant Classification Sherloc (09022015). Collection method: clinical testing. Allele origin: germline.

Mayo Clinic Laboratories, Mayo Clinic
Classification: Likely benign. Last evaluated: 2025-11-05. Review status: criteria provided, single submitter. Criteria: ACMG Guidelines, 2015. Collection method: clinical testing. Allele origin: germline. Observed: 1 variant allele.
Comment: BP4, BP7

Ambry Genetics
Classification: Likely benign for Cardiovascular phenotype. Last evaluated: 2025-04-20. Review status: criteria provided, single submitter. Criteria: Ambry Variant Classification Scheme 2023. Collection method: clinical testing. Allele origin: germline.

Laboratory of Genetics, Children's Clinical University Hospital Latvia
Classification: Likely benign. Last evaluated: 2025-02-16. Review status: criteria provided, single submitter. Criteria: ACMG Guidelines, 2015. Collection method: clinical testing. Allele origin: germline. Affected: yes.

GeneDx
Classification: Likely benign. Last evaluated: 2016-07-07. Review status: criteria provided, single submitter. Criteria: GeneDx Variant Classification (06012015). Collection method: clinical testing. Allele origin: germline. Affected: yes.
Comment: This variant is considered likely benign or benign based on one or more of the following criteria: it is a conservative change, it occurs at a poorly conserved position in the protein, it is predicted to be benign by multiple in silico algorithms, and/or has population frequency not consistent with disease.